The following is an entry in ClinVar:

NM_003500.4(ACOX2):c.1602G>A (p.Gln534=)

Gene: ACOX2 (acyl-CoA oxidase 2; minus strand). Cytogenetic location: 3p14.3.
Variant type: single nucleotide variant.
Coding change: c.1602G>A on transcript NM_003500.4 (MANE Select); coding-DNA position 1602, G replaced by A.
Protein change: p.Gln534=; no amino-acid change (glutamine 534 retained).
Molecular consequence: synonymous variant.
Genome position (GRCh38, 1-based): chr3:58,522,526, C>T on the plus strand (G>A on the coding strand, the complement: ACOX2 is on the minus strand). VCF-style: chr3-58522526-C-T. GRCh37 (hg19) VCF-style: chr3-58508253-C-T.
Identifiers: ClinVar variation 3041048 (VCV003041048.2), dbSNP rs2471460112, ClinGen allele CA434048782.

ClinVar aggregate classification (germline): Likely benign (0 of 4 stars; one submission).

Conditions:
ACOX2-related disorder. Also called: ACOX2-related condition.

Submission:

PreventionGenetics, part of Exact Sciences
Classification: Likely benign for ACOX2-related condition. Last evaluated: 2023-12-19. Review status: no assertion criteria provided. Collection method: clinical testing. Allele origin: germline.
Comment: This variant is classified as likely benign based on ACMG/AMP sequence variant interpretation guidelines (Richards et al. 2015 PMID: 25741868, with internal and published modifications).